The following is an entry in ClinVar:

NM_001430.5(EPAS1):c.1350G>C (p.Glu450Asp)

Gene: EPAS1 (endothelial PAS domain protein 1; plus strand). Cytogenetic location: 2p21.
Variant type: single nucleotide variant.
Coding change: c.1350G>C on transcript NM_001430.5 (MANE Select); coding-DNA position 1350, G replaced by C.
Protein change: p.Glu450Asp; replaces glutamic acid 450 with aspartic acid.
Molecular consequence: missense variant.
Genome position (GRCh38, 1-based): chr2:46,377,994, G>C. VCF-style: chr2-46377994-G-C. GRCh37 (hg19) VCF-style: chr2-46605133-G-C.
Other names: short protein forms E450D.
Identifiers: ClinVar variation 1770597 (VCV001770597.5), dbSNP rs200476418, ClinGen allele CA1644960.

ClinVar aggregate classification (germline): Uncertain significance. Review status: criteria provided, multiple submitters, no conflicts (2 of 4 stars). 2 submissions from 2 submitters: Uncertain significance (2). Last evaluated 2025-04-13.

Conditions:
Inborn genetic diseases. Identifiers: MedGen C0950123, MeSH D030342.

Allele frequency attached by ClinVar (database versions not stated): gnomAD 0.00003; ExAC 0.00006; 1000 Genomes Project 30x 0.00016.
gnomAD v4.1: 35 of 1,586,600 alleles (0.0022%); highest among the groups gnomAD compares: Admixed American, 0.0035%; no homozygotes.

Submissions (2):

Labcorp Genetics (formerly Invitae), Labcorp
Classification: Uncertain significance. Last evaluated: 2025-04-13. Review status: criteria provided, single submitter. Criteria: Invitae Variant Classification Sherloc (09022015). Collection method: clinical testing. Allele origin: germline.
Comment: This sequence change replaces glutamic acid, which is acidic and polar, with aspartic acid, which is acidic and polar, at codon 450 of the EPAS1 protein (p.Glu450Asp). This variant is present in population databases (rs200476418, gnomAD 0.008%). This variant has not been reported in the literature in individuals affected with EPAS1-related conditions. ClinVar contains an entry for this variant (Variation ID: 1770597). An algorithm developed to predict the effect of missense changes on protein structure and function (PolyPhen-2) suggests that this variant is likely to be tolerated. In summary, the available evidence is currently insufficient to determine the role of this variant in disease. Therefore, it has been classified as a Variant of Uncertain Significance.

Ambry Genetics
Classification: Uncertain significance for Inborn genetic diseases. Last evaluated: 2025-03-06. Review status: criteria provided, single submitter. Criteria: Ambry Variant Classification Scheme 2023. Collection method: clinical testing. Allele origin: germline.